The following is an entry in ClinVar:

ClinVar aggregate classification (germline): Likely benign. Review status: criteria provided, multiple submitters, no conflicts (2 of 4 stars). 3 submissions from 3 submitters: Likely benign (2). 1 of the submissions does not count toward it. Last evaluated 2026-01-17.

Conditions:
PRPF31-related disorder. Also called: PRPF31-related condition.

Allele frequency attached by ClinVar (database versions not stated): gnomAD exomes 0.00001; gnomAD 0.00005 and 0.00006; TOPMed 0.00012.
gnomAD v4.1: 25 of 1,611,150 alleles (0.0016%); highest among the groups gnomAD compares: Admixed American, 0.022%; no homozygotes.

Submissions (3):

Labcorp Genetics (formerly Invitae), Labcorp
Classification: Likely benign. Last evaluated: 2026-01-17. Review status: criteria provided, single submitter. Criteria: Invitae Variant Classification Sherloc (09022015). Collection method: clinical testing. Allele origin: germline.

Blueprint Genetics
Classification: Likely benign. Last evaluated: 2024-10-31. Review status: criteria provided, single submitter. Criteria: ACMG Guidelines, 2015. Collection method: clinical testing. Allele origin: germline.

PreventionGenetics, part of Exact Sciences
Classification: Likely benign for PRPF31-related condition. Last evaluated: 2019-08-07. Review status: no assertion criteria provided. Collection method: clinical testing. Allele origin: germline. Not counted in ClinVar's aggregate classification.
Comment: This variant is classified as likely benign based on ACMG/AMP sequence variant interpretation guidelines (Richards et al. 2015 PMID: 25741868, with internal and published modifications).

NM_015629.4(PRPF31):c.552G>A (p.Leu184=)

Gene: PRPF31 (pre-mRNA processing factor 31; plus strand). Cytogenetic location: 19q13.42.
Variant type: single nucleotide variant.
Coding change: c.552G>A on transcript NM_015629.4 (MANE Select); coding-DNA position 552, G replaced by A.
Protein change: p.Leu184=; no amino-acid change (leucine 184 retained).
Molecular consequence: synonymous variant.
Genome position (GRCh38, 1-based): chr19:54,123,773, G>A. VCF-style: chr19-54123773-G-A. GRCh37 (hg19) VCF-style: chr19-54627152-G-A.
Other names: c.552G>A (NM_015629.3).
Identifiers: ClinVar variation 1637369 (VCV001637369.11), dbSNP rs902979771, ClinGen allele CA309325100.